The following is an entry in ClinVar:

NM_001377229.1(DISP1):c.186C>G (p.Val62=)

Gene: DISP1 (dispatched RND transporter family member 1; plus strand). Cytogenetic location: 1q41.
Variant type: single nucleotide variant.
Coding change: c.186C>G on transcript NM_001377229.1 (MANE Select); coding-DNA position 186, C replaced by G.
Protein change: p.Val62=; no amino-acid change (valine 62 retained).
Molecular consequence: synonymous variant. On other transcripts: 5 prime UTR variant (1).
Genome position (GRCh38, 1-based): chr1:222,943,009, C>G. VCF-style: chr1-222943009-C-G. GRCh37 (hg19) VCF-style: chr1-223116351-C-G.
Other names: c.-702C>G (NM_001350630.2); c.186C>G, p.Val62= (NM_001369594.1, NM_001377228.1, NM_032890.5).
Identifiers: ClinVar variation 723056 (VCV000723056.10), dbSNP rs140230946, ClinGen allele CA1408756.

ClinVar aggregate classification (germline): Benign. Review status: criteria provided, single submitter (1 of 4 stars). 2 submissions from 2 submitters: Benign (1). 1 of the submissions does not count toward it. Last evaluated 2024-05-20.

Conditions:
DISP1-related disorder. Also called: DISP1-related condition.

Allele frequency attached by ClinVar (database versions not stated): ESP Exome Variant Server 0.00115; gnomAD exomes 0.00027 and 0.00009; 1000 Genomes Project 0.00080; gnomAD 0.00094 and 0.00100; 1000 Genomes Project 30x 0.00094; TOPMed 0.00108; ExAC 0.00029.

Submissions (2):

Labcorp Genetics (formerly Invitae), Labcorp
Classification: Benign. Last evaluated: 2024-05-20. Review status: criteria provided, single submitter. Criteria: Invitae Variant Classification Sherloc (09022015). Collection method: clinical testing. Allele origin: germline.

PreventionGenetics, part of Exact Sciences
Classification: Likely benign for DISP1-related condition. Last evaluated: 2024-09-06. Review status: no assertion criteria provided. Collection method: clinical testing. Allele origin: germline. Not counted in ClinVar's aggregate classification.
Comment: This variant is classified as likely benign based on ACMG/AMP sequence variant interpretation guidelines (Richards et al. 2015 PMID: 25741868, with internal and published modifications).